The following is an entry in ClinVar:

ClinVar aggregate classification (germline): Likely benign (1 of 4 stars; one submission).

gnomAD v4.1: 2 of 1,613,894 alleles (0.00012%); highest among the groups gnomAD compares: Admixed American, 0.0017%; no homozygotes.

Submission:

Mayo Clinic Laboratories, Mayo Clinic
Classification: Likely benign. Last evaluated: 2025-11-05. Review status: criteria provided, single submitter. Criteria: ACMG Guidelines, 2015. Collection method: clinical testing. Allele origin: germline. Observed: 1 variant allele.
Comment: BP4, BP7

NM_002739.5(PRKCG):c.117C>T (p.Thr39=)

Gene: PRKCG (protein kinase C gamma; plus strand). Cytogenetic location: 19q13.42.
Variant type: single nucleotide variant.
Coding change: c.117C>T on transcript NM_002739.5 (MANE Select); coding-DNA position 117, C replaced by T.
Protein change: p.Thr39=; no amino-acid change (threonine 39 retained).
Molecular consequence: synonymous variant.
Genome position (GRCh38, 1-based): chr19:53,882,611, C>T. VCF-style: chr19-53882611-C-T. GRCh37 (hg19) VCF-style: chr19-54385865-C-T.
Other names: p.Thr39=; c.117C>T, p.Thr39= (NM_001316329.2).
Identifiers: ClinVar variation 4684399 (VCV004684399.1).